The following is an entry in ClinVar:

NM_058216.3(RAD51C):c.1058C>T (p.Ser353Phe)

Gene: RAD51C (RAD51 paralog C; plus strand). Cytogenetic location: 17q22.
Variant type: single nucleotide variant.
Coding change: c.1058C>T on transcript NM_058216.3 (MANE Select); coding-DNA position 1058, C replaced by T.
Protein change: p.Ser353Phe; replaces serine 353 with phenylalanine.
Molecular consequence: missense variant. On other transcripts: non-coding transcript variant (1).
Genome position (GRCh38, 1-based): chr17:58,734,149, C>T. VCF-style: chr17-58734149-C-T. GRCh37 (hg19) VCF-style: chr17-56811510-C-T.
Other names: short protein forms S353F.
Identifiers: ClinVar variation 3786502 (VCV003786502.1).
Genomic context (GRCh38, chr17:58,734,149, plus strand): 5'-TATTTGTATATATATTTTTTATCTTTCAGCCTCAGGGATTTAGAGATACTGTTGTTACTT[C>T]TGCATGTTCATTGCAAACAGAAGGTTCCTTGAGCACCCGGAAACGGTCACGAGACCCAGA-3'
Protein context (NP_478123.1, residues 343-363): PQGFRDTVVT[Ser353Phe]ACSLQTEGSL

ClinVar aggregate classification (germline): Uncertain significance (1 of 4 stars; one submission).

Conditions:
Hereditary cancer-predisposing syndrome. Also called: Neoplastic Syndromes, Hereditary; Hereditary Cancer Syndrome; Tumor predisposition; Hereditary neoplastic syndrome. Identifiers: Orphanet 140162, MedGen C0027672, MeSH D009386, MONDO:0015356.

Submission:

Ambry Genetics
Classification: Uncertain significance for Hereditary cancer-predisposing syndrome. Last evaluated: 2025-02-20. Review status: criteria provided, single submitter. Criteria: Ambry Variant Classification Scheme 2023. Collection method: clinical testing. Allele origin: germline.
Comment: The p.S353F variant (also known as c.1058C>T), located in coding exon 9 of the RAD51C gene, results from a C to T substitution at nucleotide position 1058. The serine at codon 353 is replaced by phenylalanine, an amino acid with highly dissimilar properties. This amino acid position is conserved. In addition, this alteration is predicted to be tolerated by in silico analysis. Based on the available evidence, the clinical significance of this variant remains unclear.